The following is an entry in ClinVar:

ClinVar aggregate classification (germline): Benign. Review status: criteria provided, multiple submitters, no conflicts (2 of 4 stars). 3 submissions from 3 submitters: Benign (3). Last evaluated 2018-06-23.

Conditions:
Melanoma, cutaneous malignant, susceptibility to, 5. Also called: Cutaneous malignant melanoma 5. Identifiers: Orphanet 618, MedGen C2751295, MONDO:0013133, OMIM 613099.

Allele frequency attached by ClinVar (database versions not stated): 1000 Genomes Project 30x 0.23532; gnomAD exomes 0.16135; gnomAD 0.22015 and 0.22392; 1000 Genomes Project 0.23143; TOPMed 0.23056.
gnomAD v4.1: 131,925 of 756,892 alleles (17%); highest among the groups gnomAD compares: African/African-American, 36%; 13,290 homozygotes.

Submissions (3):

GeneDx
Classification: Benign. Last evaluated: 2018-06-23. Review status: criteria provided, single submitter. Criteria: GeneDx Variant Classification Process June 2021. Collection method: clinical testing. Allele origin: germline. Affected: yes.

Illumina Laboratory Services, Illumina
Classification: Benign for Melanoma, cutaneous malignant, susceptibility to, 5. Last evaluated: 2018-01-13. Review status: criteria provided, single submitter. Criteria: ICSL Variant Classification Criteria 13 December 2019. Collection method: clinical testing. Allele origin: germline.
Comment: This variant was observed in the ICSL laboratory as part of a predisposition screen in an ostensibly healthy population. It had not been previously curated by ICSL or reported in the Human Gene Mutation Database (HGMD: prior to June 1st, 2018), and was therefore a candidate for classification through an automated scoring system. Utilizing variant allele frequency, disease prevalence and penetrance estimates, and inheritance mode, an automated score was calculated to assess if this variant is too frequent to cause the disease. Based on the score and internal cut-off values, a variant classified as benign is not then subjected to further curation. The score for this variant resulted in a classification of benign for this disease.

Breakthrough Genomics
Classification: Benign. Review status: criteria provided, single submitter. Criteria: ACMG Guidelines, 2015. Collection method: not provided. Allele origin: germline. Inheritance: Autosomal recessive inheritance. Affected: yes.

NM_002386.4(MC1R):c.*140A>G

Gene: MC1R (melanocortin 1 receptor; plus strand). Cytogenetic location: 16q24.3.
Variant type: single nucleotide variant.
Coding change: c.*140A>G on transcript NM_002386.4 (MANE Select); 140 bases downstream of the stop codon, A replaced by G.
Molecular consequence: 3 prime UTR variant.
Genome position (GRCh38, 1-based): chr16:89,920,352, A>G. VCF-style: chr16-89920352-A-G. GRCh37 (hg19) VCF-style: chr16-89986760-A-G.
Identifiers: ClinVar variation 321444 (VCV000321444.9), dbSNP rs3212369, ClinGen allele CA10649364.